The following is an entry in ClinVar:

NM_000548.5(TSC2):c.4878del (p.Thr1627fs)

Gene: TSC2 (TSC complex subunit 2; plus strand). Cytogenetic location: 16p13.3.
Variant type: Deletion.
Coding change: c.4878del on transcript NM_000548.5 (MANE Select); coding-DNA position 4878, one base deleted (C; older notation c.4878delC).
Protein change: p.Thr1627fs; shifts the reading frame from threonine 1627.
Molecular consequence: frameshift variant. On other transcripts: non-coding transcript variant (4).
Genome position (GRCh38, 1-based): chr16:2,086,760, C deleted; the last of 3 consecutive C bases (chr16:2,086,758-2,086,760); deleting any one gives the same sequence. VCF-style (leftmost placement, unchanged base first): chr16-2086757-GC-G. GRCh37 (hg19) VCF-style: chr16-2136758-GC-G.
Other names: c.4677del, p.Thr1560fs (NM_001077183.3); c.4809del, p.Thr1604fs (NM_001114382.3); c.4569del, p.Thr1524fs (NM_001318827.2); c.4533del, p.Thr1512fs (NM_001318829.2); c.4146del, p.Thr1383fs (NM_001318831.2); c.4710del, p.Thr1571fs (NM_001318832.2); c.4680del, p.Thr1561fs (NM_001363528.2); c.4746del, p.Thr1583fs (NM_001370404.1); and 26 more; short protein forms T1026fs, T1112fs, T1113fs, T1135fs, T1136fs, T1156fs, T1360fs, T1361fs.
Identifiers: ClinVar variation 3767112 (VCV003767112.2).
Genomic context (GRCh38, chr16:2,086,757, plus strand): 5'-GCCCCACAAACCCATCCGGCCCTGCTCACCCTCAGCCGTCTTCCACATCGCCACCCTGAT[GC>G]CCACCAAGGACGTGGACAAGCACCGCTGCGACAAGAAGCGCCACCTGGGCAACGACTTTG-3'

ClinVar aggregate classification (germline): Pathogenic (1 of 4 stars; one submission).

Conditions:
Tuberous sclerosis 2 (TSC2). Identifiers: Orphanet 805, MedGen C1860707, MONDO:0013199, OMIM 613254.

Submission:

Juno Genomics, Hangzhou Juno Genomics, Inc
Classification: Pathogenic for Tuberous sclerosis 2. Review status: criteria provided, single submitter. Criteria: ACMG Guidelines, 2015. Collection method: clinical testing. Allele origin: germline. Affected: yes.
Comment: Absent from controls (or at extremely low frequency if recessive) in Genome Aggregation Database, Exome Sequencing Project, 1000 Genomes Project, or Exome Aggregation Consortium.;De novo (both maternity and paternity confirmed) in a patient with the disease and no family history.;Null variant in a gene where loss of function (LOF) is a known mechanism of disease.;Patient's phenotype or family history is highly specific for a disease with a single genetic etiology.